The following is an entry in ClinVar:

ClinVar aggregate classification (germline): Likely benign (1 of 4 stars; one submission).

Conditions:
GAPVD1-related disorder. Also called: GAPVD1-related condition.

gnomAD v4.1: 16 of 1,517,330 alleles (0.0011%); highest among the groups gnomAD compares: Admixed American, 0.027%; no homozygotes.

Submission:

PreventionGenetics, part of Exact Sciences
Classification: Likely benign for GAPVD1-related condition. Last evaluated: 2026-09-26. Review status: criteria provided, single submitter. Criteria: ACMG Guidelines, 2015. Collection method: clinical testing. Allele origin: germline.
Comment: This variant is classified as likely benign based on ACMG/AMP sequence variant interpretation guidelines (Richards et al. 2015 PMID: 25741868, with internal and published modifications).

NM_001282680.3(GAPVD1):c.2878-6C>T

Gene: GAPVD1 (GTPase activating protein and VPS9 domains 1; plus strand). Cytogenetic location: 9q33.3.
Variant type: single nucleotide variant.
Coding change: c.2878-6C>T on transcript NM_001282680.3 (MANE Select); 6 bases into the intron before coding-DNA position 2878, C replaced by T.
Molecular consequence: intron variant.
Genome position (GRCh38, 1-based): chr9:125,341,171, C>T. VCF-style: chr9-125341171-C-T. GRCh37 (hg19) VCF-style: chr9-128103450-C-T.
Other names: c.2878-6C>T (NM_001354296.2, NM_001354301.2, NM_001354299.2 and 4 more transcripts); c.2815-6C>T (NM_001354297.2, NM_001354300.2, NM_001330777.3 and 2 more transcripts); c.2959-6C>T (NM_015635.4, NM_001354298.2); c.2896-6C>T (NM_001438415.1).
Identifiers: ClinVar variation 4990264 (VCV004990264.1).